The following is an entry in ClinVar:

NM_152296.5(ATP1A3):c.993+6G>A

Gene: ATP1A3 (ATPase Na+/K+ transporting subunit alpha 3; minus strand). Cytogenetic location: 19q13.2.
Variant type: single nucleotide variant.
Coding change: c.993+6G>A on transcript NM_152296.5 (MANE Select); 6 bases into the intron after coding-DNA position 993, G replaced by A.
Molecular consequence: intron variant.
Genome position (GRCh38, 1-based): chr19:41,984,912, C>T on the plus strand (G>A on the coding strand, the complement: ATP1A3 is on the minus strand). VCF-style: chr19-41984912-C-T. GRCh37 (hg19) VCF-style: chr19-42489064-C-T.
Other names: c.1032+6G>A (NM_001256214.2); c.1026+6G>A (NM_001256213.2).
Identifiers: ClinVar variation 4738640 (VCV004738640.1).
Genomic context (GRCh38, chr19:41,984,912, plus strand): 5'-CTCCCTCAGACCCAGGAGCCCAGACCCCCAGGCCCTCCCCACCCAGACCCAGGAGCCTGG[C>T]CTTACAGTGACAGTGGCCAGCAGACCCTCTGGGACATTGGCCACGATGATGCCGATGAGG-3'

ClinVar aggregate classification (germline): Uncertain significance (1 of 4 stars; one submission).

Conditions:
Dystonia 12 (DYT12). Also called: Rapid-Onset Dystonia-Parkinsonism (RDP); DYT-ATP1A3. Identifiers: Orphanet 71517, MedGen C1868681, MONDO:0007496, OMIM 128235.

gnomAD v4.1: 9 of 1,611,452 alleles (0.00056%); highest among the groups gnomAD compares: Non-Finnish European, 0.00076%; no homozygotes.

Submission:

Labcorp Genetics (formerly Invitae), Labcorp
Classification: Uncertain significance for Dystonia 12. Last evaluated: 2026-01-17. Review status: criteria provided, single submitter. Criteria: Invitae Variant Classification Sherloc (09022015). Collection method: clinical testing. Allele origin: germline.
Comment: This sequence change falls in intron 8 of the ATP1A3 gene. It does not directly change the encoded amino acid sequence of the ATP1A3 protein. It affects a nucleotide within the consensus splice site. This variant is not present in population databases (gnomAD no frequency). This variant has not been reported in the literature in individuals affected with ATP1A3-related conditions. Variants that disrupt the consensus splice site are a relatively common cause of aberrant splicing (PMID: 17576681, 9536098). Algorithms developed to predict the effect of sequence changes on RNA splicing suggest that this variant is not likely to affect RNA splicing. In summary, the available evidence is currently insufficient to determine the role of this variant in disease. Therefore, it has been classified as a Variant of Uncertain Significance.

Literature cited by the submitters: PubMed 17576681; PubMed 9536098.